The following is an entry in ClinVar:

ClinVar aggregate classification (germline): Likely pathogenic (1 of 4 stars; one submission).

Conditions:
X-linked complicated corpus callosum dysgenesis. Also called: X-Linked Complicated Corpus Callosum Agenesis. Identifiers: Orphanet 1497, MedGen C1839909, MONDO:0010569, OMIM 304100.
MASA syndrome. Also called: MENTAL RETARDATION, APHASIA, SHUFFLING GAIT, AND ADDUCTED THUMBS; MASA (Mental Retardation, Adducted Thumbs, Shuffling Gait, Aphasia) Syndrome, Including SPG1 (X-Linked Complicated Hereditary Spastic Paraplegia Type 1); SPASTIC PARAPLEGIA 1, X-LINKED; CRASH syndrome; ADDUCTED THUMB WITH MENTAL RETARDATION; CLASPED THUMB AND MENTAL RETARDATION. Identifiers: Orphanet 2466, MedGen C0795953, MONDO:0010559, OMIM 303350.
X-linked hydrocephalus syndrome (HYCX). Also called: X-Linked Hydrocephalus with Stenosis of the Aqueduct of Sylvius (HSAS); AQUEDUCTAL STENOSIS, X-LINKED; X-linked hydrocephalus; X-Linked Hydrocephalus with Stenosis of the Aqueduct of Sylvius; HYDROCEPHALUS, CONGENITAL, X-LINKED. Identifiers: Orphanet 2182, MedGen C0265216, MONDO:0010611, OMIM 307000.

Submission:

Molecular Genetics Department, Kulakov National Medical Research Center for Obstetrics, Gynecology and Perinatology
Classification: Likely pathogenic for MASA syndrome; X-linked complicated corpus callosum dysgenesis; X-linked hydrocephalus syndrome. Review status: criteria provided, single submitter. Criteria: ACMG Guidelines, 2015. Collection method: clinical testing. Allele origin: germline. Affected: yes. Observed: 1 variant allele.
Comment: A previously undescribed hemizygous nucleotide variant creates a frameshift p.Gln1042CysfsTer51 in the L1CAM gene. Hemizygous variants of this type are reported in patients with ?Corpus callosum, partial agenesis of, 304100; Hydrocephalus, congenital, 307000; MASA syndrome, 303350. The variant is not present in population database (gnomAD no frequency). In summary, the currently available evidence indicates that the variant is pathogenic, but additional data are needed to prove that conclusively. Therefore, this variant has been classified as likely pathogenic.

NM_001278116.2(L1CAM):c.3096_3123dup (p.Gln1042fs)

Gene: L1CAM (L1 cell adhesion molecule; minus strand). Cytogenetic location: Xq28.
Variant type: Duplication.
Coding change: c.3096_3123dup on transcript NM_001278116.2 (MANE Select); coding-DNA positions 3096 to 3123, 28 bases duplicated (TGTCGTCTCCTGGGTCCCCAAGGAGGGC).
Protein change: p.Gln1042fs; shifts the reading frame from glutamine 1042.
Molecular consequence: frameshift variant.
Genome position (GRCh38, 1-based): chrX:153,864,628-153,864,655, GCCCTCCTTGGGGACCCAGGAGACGACA duplicated on the plus strand (TGTCGTCTCCTGGGTCCCCAAGGAGGGC on the coding strand, the reverse complement: L1CAM is on the minus strand). VCF-style (leftmost placement, unchanged base first): chrX-153864627-G-GGCCCTCCTTGGGGACCCAGGAGACGACA. GRCh37 (hg19) VCF-style: chrX-153130082-G-GGCCCTCCTTGGGGACCCAGGAGACGACA.
Other names: c.3096_3123dup, p.Gln1042fs (NM_000425.5, NM_024003.3); c.3081_3108dup, p.Gln1037fs (NM_001143963.2); short protein forms Q1042fs, Q1037fs.
Identifiers: ClinVar variation 4294442 (VCV004294442.1).